The following is an entry in ClinVar:

NM_001163809.2(WDR81):c.2410C>T (p.Arg804Ter)

Gene: WDR81 (WD repeat domain 81; plus strand). Cytogenetic location: 17p13.3.
Variant type: single nucleotide variant.
Coding change: c.2410C>T on transcript NM_001163809.2 (MANE Select); coding-DNA position 2410, C replaced by T.
Protein change: p.Arg804Ter; replaces arginine 804 with a stop codon.
Molecular consequence: nonsense. On other transcripts: intron variant (3).
Genome position (GRCh38, 1-based): chr17:1,727,369, C>T. VCF-style: chr17-1727369-C-T. GRCh37 (hg19) VCF-style: chr17-1630663-C-T.
Other names: c.-123-621C>T (NM_152348.4); c.59-3011C>T (NM_001163673.2); c.-15+2583C>T (NM_001163811.2); short protein forms R804*.
Identifiers: ClinVar variation 2627973 (VCV002627973.1), dbSNP rs762005729, ClinGen allele CA8273120.

ClinVar aggregate classification (germline): Likely pathogenic (1 of 4 stars; one submission).

Conditions:
Cerebellar ataxia, impaired intellectual development, and dysequilibrium syndrome 2. Also called: Cerebellar ataxia, intellectual disability, and dysequilibrium syndrome 2; CEREBELLAR ATAXIA, MENTAL RETARDATION, AND DYSEQUILIBRIUM SYNDROME 2; CEREBELLAR ATAXIA AND MENTAL RETARDATION WITH OR WITHOUT QUADRUPEDAL LOCOMOTION 2. Identifiers: Orphanet 1766, MedGen C2750234, MONDO:0012430, OMIM 610185.

Allele frequency attached by ClinVar (database versions not stated): TOPMed below 0.00001; gnomAD exomes 0.00001; ExAC 0.00005.
gnomAD v4.1: 10 of 1,550,174 alleles (0.00065%); highest among the groups gnomAD compares: Non-Finnish European, 0.00052%; no homozygotes.

Submission:

Neuberg Centre For Genomic Medicine, NCGM
Classification: Likely pathogenic for Cerebellar ataxia, impaired intellectual development, and dysequilibrium syndrome 2. Review status: criteria provided, single submitter. Criteria: ACMG Guidelines, 2015. Collection method: clinical testing. Allele origin: germline. Inheritance: Autosomal recessive inheritance. Affected: yes.
Comment: The stop gained (p.Arg804Ter) variant in the WDR81 gene has previously not been reported as pathogenic or likely benign, as per our knowledge. The variant is novel (not in any individuals) in 1000 Genomes and has a frequency of 0.0026% in the gnomAD exomes database. The nucleotide change in WDR81 is predicted as conserved by GERP++ and PhyloP across 100 vertebrates. For these reasons, this variant has been classified as Likely Pathogenic.